The following is an entry in ClinVar:

ClinVar aggregate classification (germline): Likely benign. Review status: criteria provided, multiple submitters, no conflicts (2 of 4 stars). 8 submissions from 5 submitters: Likely benign (8). Last evaluated 2025-12-02.

Conditions:
Malignant hyperthermia, susceptibility to, 5 (MHS5). Also called: CACNA1S-Related Malignant Hyperthermia Susceptibility. Identifiers: Orphanet 423, MedGen C1866077, MONDO:0011163, OMIM 601887.
Hypokalemic periodic paralysis, type 1. Also called: Hypokalemic Periodic Paralysis Type 1 (AD); HypoPP. Identifiers: Orphanet 681, MedGen C3714580, MONDO:0042979, OMIM 170400.
Thyrotoxic periodic paralysis, susceptibility to, 1 (TTPP1). Identifiers: Orphanet 79102, MedGen C2749982, MONDO:0008570, OMIM 188580.
Congenital myopathy 18. Also called: DIHYDROPYRIDINE RECEPTOR CONGENITAL MYOPATHY; DHPR CONGENITAL MYOPATHY; Myopathy, congenital, due to dihydropyridine receptor defect. Identifiers: MedGen C5830283, MONDO:0859514, OMIM 620246.

Allele frequency attached by ClinVar (database versions not stated): gnomAD exomes 0.00001; ESP Exome Variant Server 0.00008; ExAC 0.00002; gnomAD 0.00006 and 0.00007; TOPMed 0.00007.
gnomAD v4.1: 30 of 1,613,112 alleles (0.0019%); highest among the groups gnomAD compares: African/African-American, 0.036%; no homozygotes.

Submissions (8):

Labcorp Genetics (formerly Invitae), Labcorp
Classification: Likely benign for Hypokalemic periodic paralysis, type 1; Malignant hyperthermia, susceptibility to, 5. Last evaluated: 2025-12-02. Review status: criteria provided, single submitter. Criteria: Invitae Variant Classification Sherloc (09022015). Collection method: clinical testing. Allele origin: germline.

All of Us Research Program, National Institutes of Health
Classification: Likely benign for Malignant hyperthermia, susceptibility to, 5. Last evaluated: 2024-06-11. Review status: criteria provided, single submitter. Criteria: ACMG Guidelines, 2015. Collection method: clinical testing. Allele origin: germline. Inheritance: Autosomal dominant inheritance. Observed: 2 variant alleles, 2 heterozygotes.
Comment: This study involves interpretation of variants in research participants for the purpose of population health screening. Participant phenotype was not available at the time of variant classification. Additional details can be found in publication PMID: 35346344, PMCID: PMC8962531

Genome-Nilou Lab
Classification: Likely benign for Malignant hyperthermia, susceptibility to, 5. Last evaluated: 2023-04-11. Review status: criteria provided, single submitter. Criteria: ACMG Guidelines, 2015. Collection method: clinical testing. Allele origin: germline. Affected: no.

Genome-Nilou Lab
Classification: Likely benign for Thyrotoxic periodic paralysis, susceptibility to, 1. Last evaluated: 2023-04-11. Review status: criteria provided, single submitter. Criteria: ACMG Guidelines, 2015. Collection method: clinical testing. Allele origin: germline. Affected: no.

Genome-Nilou Lab
Classification: Likely benign for Congenital myopathy 18. Last evaluated: 2023-04-11. Review status: criteria provided, single submitter. Criteria: ACMG Guidelines, 2015. Collection method: clinical testing. Allele origin: germline. Affected: no.

Genome-Nilou Lab
Classification: Likely benign for Hypokalemic periodic paralysis, type 1. Last evaluated: 2023-04-11. Review status: criteria provided, single submitter. Criteria: ACMG Guidelines, 2015. Collection method: clinical testing. Allele origin: germline. Affected: no.

Color Diagnostics, LLC DBA Color Health
Classification: Likely benign for Malignant hyperthermia, susceptibility to, 5. Last evaluated: 2022-11-06. Review status: criteria provided, single submitter. Criteria: ACMG Guidelines, 2015. Collection method: clinical testing. Allele origin: germline.

Fulgent Genetics
Classification: Likely benign for Hypokalemic periodic paralysis, type 1; Thyrotoxic periodic paralysis, susceptibility to, 1; Malignant hyperthermia, susceptibility to, 5. Last evaluated: 2021-12-23. Review status: criteria provided, single submitter. Criteria: ACMG Guidelines, 2015. Collection method: clinical testing. Allele origin: unknown.

NM_000069.3(CACNA1S):c.3429G>A (p.Ser1143=)

Gene: CACNA1S (calcium voltage-gated channel subunit alpha1 S; minus strand). Cytogenetic location: 1q32.1.
Variant type: single nucleotide variant.
Coding change: c.3429G>A on transcript NM_000069.3 (MANE Select); coding-DNA position 3429, G replaced by A.
Protein change: p.Ser1143=; no amino-acid change (serine 1143 retained).
Molecular consequence: synonymous variant.
Genome position (GRCh38, 1-based): chr1:201,059,285, C>T on the plus strand (G>A on the coding strand, the complement: CACNA1S is on the minus strand). VCF-style: chr1-201059285-C-T. GRCh37 (hg19) VCF-style: chr1-201028413-C-T.
Identifiers: ClinVar variation 706631 (VCV000706631.13), dbSNP rs373033092, ClinGen allele CA082554.